The following is an entry in ClinVar:

NM_024675.4(PALB2):c.1989C>T (p.Arg663=)

Gene: PALB2 (partner and localizer of BRCA2; minus strand). Cytogenetic location: 16p12.2.
Variant type: single nucleotide variant.
Coding change: c.1989C>T on transcript NM_024675.4 (MANE Select); coding-DNA position 1989, C replaced by T.
Protein change: p.Arg663=; no amino-acid change (arginine 663 retained).
Molecular consequence: synonymous variant.
Genome position (GRCh38, 1-based): chr16:23,630,165, G>A on the plus strand (C>T on the coding strand, the complement: PALB2 is on the minus strand). VCF-style: chr16-23630165-G-A. GRCh37 (hg19) VCF-style: chr16-23641486-G-A.
Identifiers: ClinVar variation 385459 (VCV000385459.15), dbSNP rs1057522230, ClinGen allele CA16607203.

ClinVar aggregate classification (germline): Benign/Likely benign. Review status: criteria provided, multiple submitters, no conflicts (2 of 4 stars). 4 submissions from 4 submitters: Benign (1); Likely benign (3). Last evaluated 2025-02-03.

Conditions:
Hereditary cancer-predisposing syndrome. Also called: Hereditary Cancer Syndrome; Hereditary neoplastic syndrome; Neoplastic Syndromes, Hereditary; Tumor predisposition. Identifiers: Orphanet 140162, MedGen C0027672, MeSH D009386, MONDO:0015356.
Familial cancer of breast. Also called: hereditary breast carcinoma; Hereditary breast cancer; BREAST CANCER, FAMILIAL. Identifiers: Orphanet 227535, MedGen C0346153, MONDO:0016419, OMIM 114480. Disease mechanism: loss of function.

Allele frequency attached by ClinVar (database versions not stated): gnomAD exomes below 0.00001.
gnomAD v4.1: 1 of 1,614,130 alleles (0.000062%); highest among the groups gnomAD compares: Non-Finnish European, 0.000085%; no homozygotes.

Submissions (4):

Labcorp Genetics (formerly Invitae), Labcorp
Classification: Likely benign for Familial cancer of breast. Last evaluated: 2025-02-03. Review status: criteria provided, single submitter. Criteria: Invitae Variant Classification Sherloc (09022015). Collection method: clinical testing. Allele origin: germline.

Myriad Genetics, Inc.
Classification: Benign for Familial cancer of breast. Last evaluated: 2025-01-15. Review status: criteria provided, single submitter. Criteria: Myriad Autosomal Dominant, Autosomal Recessive and X-Linked Classification Criteria (2023). Collection method: clinical testing. Allele origin: unknown.
Comment: This variant is considered benign. This variant is a silent/synonymous amino acid change and it is not expected to impact splicing.

Ambry Genetics
Classification: Likely benign for Hereditary cancer-predisposing syndrome. Last evaluated: 2020-01-07. Review status: criteria provided, single submitter. Criteria: Ambry Variant Classification Scheme 2023. Collection method: clinical testing. Allele origin: germline.

GeneDx
Classification: Likely benign. Last evaluated: 2016-04-06. Review status: criteria provided, single submitter. Criteria: GeneDx Variant Classification (06012015). Collection method: clinical testing. Allele origin: germline. Affected: yes.
Comment: This variant is considered likely benign or benign based on one or more of the following criteria: it is a conservative change, it occurs at a poorly conserved position in the protein, it is predicted to be benign by multiple in silico algorithms, and/or has population frequency not consistent with disease.